The following is an entry in ClinVar:

NM_013447.4(ADGRE2):c.714C>T (p.Cys238=)

Gene: ADGRE2 (adhesion G protein-coupled receptor E2; minus strand). Cytogenetic location: 19p13.12.
Variant type: single nucleotide variant.
Coding change: c.714C>T on transcript NM_013447.4 (MANE Select); coding-DNA position 714, C replaced by T.
Protein change: p.Cys238=; no amino-acid change (cysteine 238 retained).
Molecular consequence: synonymous variant.
Genome position (GRCh38, 1-based): chr19:14,765,725, G>A on the plus strand (C>T on the coding strand, the complement: ADGRE2 is on the minus strand). VCF-style: chr19-14765725-G-A. GRCh37 (hg19) VCF-style: chr19-14876537-G-A.
Other names: c.714C>T, p.Cys238= (NM_001271052.1); c.567C>T, p.Cys189= (NM_152916.2); c.435C>T, p.Cys145= (NM_152917.2).
Identifiers: ClinVar variation 3390114 (VCV003390114.14).

ClinVar aggregate classification (germline): Likely benign (1 of 4 stars; one submission).

Submission:

CeGaT Center for Human Genetics Tuebingen
Classification: Likely benign. Last evaluated: 2024-11-01. Review status: criteria provided, single submitter. Criteria: CeGaT Center For Human Genetics Tuebingen Variant Classification Criteria Version 2. Collection method: clinical testing. Allele origin: germline. Affected: yes. Observed: 1 variant allele.
Comment: ADGRE2: PM2:Supporting, BP4, BP7